The following is an entry in ClinVar:

ClinVar aggregate classification (germline): Likely benign (1 of 4 stars; one submission).

gnomAD v4.1: 17 of 1,613,606 alleles (0.0011%); highest among the groups gnomAD compares: African/African-American, 0.004%; no homozygotes.

Submission:

CeGaT Center for Human Genetics Tuebingen
Classification: Likely benign. Last evaluated: 2026-05-01. Review status: criteria provided, single submitter. Criteria: CeGaT Center For Human Genetics Tuebingen Variant Classification Criteria Version 2. Collection method: clinical testing. Allele origin: germline. Affected: yes. Observed: 1 variant allele.
Comment: SMARCC2: BP4, BP7

NM_001330288.2(SMARCC2):c.1992C>T (p.Asp664=)

Gene: SMARCC2 (SWI/SNF related BAF chromatin remodeling complex subunit C2; minus strand). Cytogenetic location: 12q13.2.
Variant type: single nucleotide variant.
Coding change: c.1992C>T on transcript NM_001330288.2 (MANE Select); coding-DNA position 1992, C replaced by T.
Protein change: p.Asp664=; no amino-acid change (aspartic acid 664 retained).
Molecular consequence: synonymous variant.
Genome position (GRCh38, 1-based): chr12:56,171,872, G>A on the plus strand (C>T on the coding strand, the complement: SMARCC2 is on the minus strand). VCF-style: chr12-56171872-G-A. GRCh37 (hg19) VCF-style: chr12-56565656-G-A.
Other names: c.1992C>T, p.Asp664= (NM_001130420.3, NM_139067.4); c.1899C>T, p.Asp633= (NM_003075.5).
Identifiers: ClinVar variation 4873208 (VCV004873208.2).
Genomic context (GRCh38, chr12:56,171,872, plus strand): 5'-CTCTGAGTCCTCCAGGTATGGGTCTTCAATGGGAAGACGAAGAAAATGCAAGATGCACTC[G>A]TCCTGTGTGCGGCTTCCCACATGCTCGGACACTTTGTTCCAGTCATCTTTGTACATTTCC-3'
Protein context (NP_001317217.1, residues 654-674): VSEHVGSRTQ[Asp664=]ECILHFLRLP